The following is an entry in ClinVar:

NM_130839.5(UBE3A):c.1937G>A (p.Arg646His)

Genes: SNHG14 (small nucleolar RNA host gene 14; plus strand), UBE3A (ubiquitin protein ligase E3A; minus strand). Cytogenetic location: 15q11.2.
Variant type: single nucleotide variant.
Coding change: c.1937G>A on transcript NM_130839.5 (MANE Select); coding-DNA position 1937, G replaced by A.
Protein change: p.Arg646His; replaces arginine 646 with histidine.
Molecular consequence: missense variant. On other transcripts: non-coding transcript variant (1).
Genome position (GRCh38, 1-based): chr15:25,356,713, C>T on the plus strand (G>A on the coding strand, the complement: UBE3A is on the minus strand). VCF-style: chr15-25356713-C-T. GRCh37 (hg19) VCF-style: chr15-25601860-C-T.
Other names: c.1946G>A, p.Arg649His (NM_000462.5); c.1937G>A, p.Arg646His (NM_001354505.1, NM_001354538.2, NM_001354545.2); c.1877G>A, p.Arg626His (NM_001354506.2, NM_001354507.2, NM_001354508.2 and 17 more transcripts); c.1760G>A, p.Arg587His (NM_001354546.2); c.686G>A, p.Arg229His (NM_001354550.2); c.626G>A, p.Arg209His (NM_001354551.2); short protein forms R587H, R626H, R646H, R649H, R209H, R229H.
Identifiers: ClinVar variation 1369495 (VCV001369495.11), dbSNP rs374601913, ClinGen allele CA7435469.

ClinVar aggregate classification (germline): Conflicting classifications of pathogenicity. Review status: criteria provided, conflicting classifications (1 of 4 stars). 4 submissions from 4 submitters: Uncertain significance (3); Likely benign (1). Last evaluated 2026-02-17.

Conditions:
Angelman syndrome (AS). Also called: HAPPY PUPPET SYNDROME. Identifiers: Orphanet 72, MedGen C0162635, MONDO:0007113, OMIM 105830. Disease mechanism: loss of function. Inheritance: AS is caused by disruption of maternally imprinted UBE3A located within the 15q11.2-q13 Angelman syndrome/Prader-Willi syndrome (AS/PWS) region., imprinting disorder.
Inborn genetic diseases. Identifiers: MedGen C0950123, MeSH D030342.

Allele frequency attached by ClinVar (database versions not stated): gnomAD 0.00001.
gnomAD v4.1: 5 of 1,613,036 alleles (0.00031%); highest among the groups gnomAD compares: Admixed American, 0.0017%; no homozygotes.

Submissions (4):

Ambry Genetics
Classification: Likely benign for Inborn genetic diseases. Last evaluated: 2026-02-17. Review status: criteria provided, single submitter. Criteria: Ambry Variant Classification Scheme 2023. Collection method: clinical testing. Allele origin: germline.

Greenwood Genetic Center Diagnostic Laboratories, Greenwood Genetic Center
Classification: Uncertain significance. Last evaluated: 2025-10-28. Review status: criteria provided, single submitter. Criteria: ACMG Guidelines, 2015. Collection method: clinical testing. Allele origin: germline. Affected: yes.
Comment: BP4, PP2

GeneDx
Classification: Uncertain significance. Last evaluated: 2025-06-27. Review status: criteria provided, single submitter. Criteria: GeneDx Variant Classification Process June 2021. Collection method: clinical testing. Allele origin: germline. Affected: yes.
Comment: Has not been previously published as pathogenic or benign to our knowledge; In silico analysis supports that this missense variant does not alter protein structure/function

Labcorp Genetics (formerly Invitae), Labcorp
Classification: Uncertain significance for Angelman syndrome. Last evaluated: 2025-06-17. Review status: criteria provided, single submitter. Criteria: Invitae Variant Classification Sherloc (09022015). Collection method: clinical testing. Allele origin: germline.
Comment: This sequence change replaces arginine, which is basic and polar, with histidine, which is basic and polar, at codon 626 of the UBE3A protein (p.Arg626His). This variant is present in population databases (rs374601913, gnomAD 0.003%). This variant has not been reported in the literature in individuals affected with UBE3A-related conditions. ClinVar contains an entry for this variant (Variation ID: 1369495). Invitae Evidence Modeling of protein sequence and biophysical properties (such as structural, functional, and spatial information, amino acid conservation, physicochemical variation, residue mobility, and thermodynamic stability) indicates that this missense variant is not expected to disrupt UBE3A protein function with a negative predictive value of 80%. In summary, the available evidence is currently insufficient to determine the role of this variant in disease. Therefore, it has been classified as a Variant of Uncertain Significance.